The following is an entry in ClinVar:

NM_000232.5(SGCB):c.244-21_244-20inv

Gene: SGCB (sarcoglycan beta; minus strand). Cytogenetic location: 4q12.
Variant type: Inversion.
Coding change: c.244-21_244-20inv on transcript NM_000232.5 (MANE Select).
Molecular consequence: intron variant.
Genome position: GRCh38 VCF-style: chr4-52029883-CA-TG. GRCh37 (hg19) VCF-style: chr4-52896049-CA-TG.
Other names: c.34-21_34-20inv (NM_001440519.1); c.-54-21_-54-20inv (NM_001440520.1).
Identifiers: ClinVar variation 4810251 (VCV004810251.1).

ClinVar aggregate classification (germline): Uncertain significance (1 of 4 stars; one submission).

Conditions:
Autosomal recessive limb-girdle muscular dystrophy type 2E (LGMDR4). Also called: MUSCULAR DYSTROPHY, LIMB-GIRDLE, AUTOSOMAL RECESSIVE 4. Identifiers: Orphanet 119, MedGen C1858593, MONDO:0011423, OMIM 604286. Disease mechanism: Affects gamma-sarcoglycan and also disrupts the integrity of the entire sarcoglycan complex..

Submission:

Labcorp Genetics (formerly Invitae), Labcorp
Classification: Uncertain significance for Autosomal recessive limb-girdle muscular dystrophy type 2E. Last evaluated: 2025-10-08. Review status: criteria provided, single submitter. Criteria: Invitae Variant Classification Sherloc (09022015). Collection method: clinical testing. Allele origin: germline.
Comment: This sequence change falls in intron 2 of the SGCB gene. It does not directly change the encoded amino acid sequence of the SGCB protein. Information on the frequency of this variant in the gnomAD database is not available, as this variant may be reported differently in the database. This variant has not been reported in the literature in individuals affected with SGCB-related conditions. Experimental studies and prediction algorithms are not available or were not evaluated, and the effect of this variant on mRNA splicing is currently unknown. In summary, the available evidence is currently insufficient to determine the role of this variant in disease. Therefore, it has been classified as a Variant of Uncertain Significance.